The following is an entry in ClinVar:

NM_002354.3(EPCAM):c.245C>G (p.Ala82Gly)

Gene: EPCAM (epithelial cell adhesion molecule; plus strand). Cytogenetic location: 2p21.
Variant type: single nucleotide variant.
Coding change: c.245C>G on transcript NM_002354.3 (MANE Select); coding-DNA position 245, C replaced by G.
Protein change: p.Ala82Gly; replaces alanine 82 with glycine.
Molecular consequence: missense variant.
Genome position (GRCh38, 1-based): chr2:47,373,868, C>G. VCF-style: chr2-47373868-C-G. GRCh37 (hg19) VCF-style: chr2-47601007-C-G.
Other names: short protein forms A82G.
Identifiers: ClinVar variation 1791606 (VCV001791606.2), dbSNP rs764523654, ClinGen allele CA346722920.

ClinVar aggregate classification (germline): Uncertain significance (1 of 4 stars; one submission).

Conditions:
Hereditary cancer-predisposing syndrome. Also called: Hereditary Cancer Syndrome; Hereditary neoplastic syndrome; Tumor predisposition; Neoplastic Syndromes, Hereditary. Identifiers: Orphanet 140162, MedGen C0027672, MeSH D009386, MONDO:0015356.

gnomAD v4.1: 4 of 1,613,990 alleles (0.00025%); highest among the groups gnomAD compares: Non-Finnish European, 0.00034%; no homozygotes.

Submission:

Ambry Genetics
Classification: Uncertain significance for Hereditary cancer-predisposing syndrome. Last evaluated: 2022-01-30. Review status: criteria provided, single submitter. Criteria: Ambry Variant Classification Scheme 2023. Collection method: clinical testing. Allele origin: germline.
Comment: The p.A82G variant (also known as c.245C>G), located in coding exon 3 of the EPCAM gene, results from a C to G substitution at nucleotide position 245. The alanine at codon 82 is replaced by glycine, an amino acid with similar properties. This amino acid position is conserved. In addition, this alteration is predicted to be tolerated by in silico analysis. Since supporting evidence is limited at this time, the clinical significance of this alteration remains unclear.